The following is an entry in ClinVar:

NM_001386135.1(AFF3):c.1263C>A (p.Ser421Arg)

Gene: AFF3 (ALF transcription elongation factor 3; minus strand). Cytogenetic location: 2q11.2.
Variant type: single nucleotide variant.
Coding change: c.1263C>A on transcript NM_001386135.1 (MANE Select); coding-DNA position 1263, C replaced by A.
Protein change: p.Ser421Arg; replaces serine 421 with arginine.
Molecular consequence: missense variant.
Genome position (GRCh38, 1-based): chr2:99,601,543, G>T on the plus strand (C>A on the coding strand, the complement: AFF3 is on the minus strand). VCF-style: chr2-99601543-G-T. GRCh37 (hg19) VCF-style: chr2-100218005-G-T.
Other names: c.1263C>A, p.Ser421Arg (NM_002285.3); c.1338C>A, p.Ser446Arg (NM_001025108.2); short protein forms S421R, S446R.
Identifiers: ClinVar variation 2651195 (VCV002651195.24), dbSNP rs2546185899, ClinGen allele CA347889915.

ClinVar aggregate classification (germline): Uncertain significance (1 of 4 stars; one submission).

Submission:

CeGaT Center for Human Genetics Tuebingen
Classification: Uncertain significance. Last evaluated: 2023-05-01. Review status: criteria provided, single submitter. Criteria: CeGaT Center For Human Genetics Tuebingen Variant Classification Criteria Version 2. Collection method: clinical testing. Allele origin: germline. Affected: yes. Observed: 1 variant allele.
Comment: AFF3: PM2, BP4